The following is an entry in ClinVar:

NM_004972.4(JAK2):c.1198T>G (p.Cys400Gly)

Genes: JAK2 (Janus kinase 2; plus strand), INSL6 (insulin like 6; minus strand). Cytogenetic location: 9p24.1.
Variant type: single nucleotide variant.
Coding change: c.1198T>G on transcript NM_004972.4 (MANE Select); coding-DNA position 1198, T replaced by G.
Protein change: p.Cys400Gly; replaces cysteine 400 with glycine.
Molecular consequence: missense variant. On other transcripts: 5 prime UTR variant (2), non-coding transcript variant (2).
Genome position (GRCh38, 1-based): chr9:5,065,024, T>G. VCF-style: chr9-5065024-T-G. GRCh37 (hg19) VCF-style: chr9-5065024-T-G.
Other names: c.1198T>G, p.Cys400Gly (NM_001322194.2, NM_001322195.2, NM_001322196.2); c.-18T>G (NM_001322198.2, NM_001322199.2); c.751T>G, p.Cys251Gly (NM_001322204.2); short protein forms C251G, C400G.
Identifiers: ClinVar variation 4777732 (VCV004777732.2).

ClinVar aggregate classification (germline): Uncertain significance. Review status: criteria provided, multiple submitters, no conflicts (2 of 4 stars). 2 submissions from 2 submitters: Uncertain significance (2). Last evaluated 2025-12-27.

Conditions:
JAK2-related disorder. Also called: JAK2-related condition.

gnomAD v4.1: 10 of 1,590,084 alleles (0.00063%); highest among the groups gnomAD compares: African/African-American, 0.0014%; no homozygotes.

Submissions (2):

Labcorp Genetics (formerly Invitae), Labcorp
Classification: Uncertain significance. Last evaluated: 2025-12-27. Review status: criteria provided, single submitter. Criteria: Invitae Variant Classification Sherloc (09022015). Collection method: clinical testing. Allele origin: germline.
Comment: This sequence change replaces cysteine, which is neutral and slightly polar, with glycine, which is neutral and non-polar, at codon 400 of the JAK2 protein (p.Cys400Gly). This variant is present in population databases (rs764899558, gnomAD 0.0009%). This variant has not been reported in the literature in individuals affected with JAK2-related conditions. Invitae Evidence Modeling of protein sequence and biophysical properties (such as structural, functional, and spatial information, amino acid conservation, physicochemical variation, residue mobility, and thermodynamic stability) indicates that this missense variant is expected to disrupt JAK2 protein function with a positive predictive value of 80%. In summary, the available evidence is currently insufficient to determine the role of this variant in disease. Therefore, it has been classified as a Variant of Uncertain Significance.

PreventionGenetics, part of Exact Sciences
Classification: Uncertain significance for JAK2-related condition. Last evaluated: 2025-01-29. Review status: criteria provided, single submitter. Criteria: ACMG Guidelines, 2015. Collection method: clinical testing. Allele origin: germline.
Comment: The JAK2 c.1198T>G variant is predicted to result in the amino acid substitution p.Cys400Gly. To our knowledge, this variant has not been reported in the literature. This variant is reported in 0.00092% of alleles in individuals of European (Non-Finnish) descent in gnomAD. At this time, the clinical significance of this variant is uncertain due to the absence of conclusive functional and genetic evidence.